The following is an entry in ClinVar:

NM_006949.4(STXBP2):c.1654G>C (p.Glu552Gln)

Gene: STXBP2 (syntaxin binding protein 2; plus strand). Cytogenetic location: 19p13.2.
Variant type: single nucleotide variant.
Coding change: c.1654G>C on transcript NM_006949.4 (MANE Select); coding-DNA position 1654, G replaced by C.
Protein change: p.Glu552Gln; replaces glutamic acid 552 with glutamine.
Molecular consequence: missense variant. On other transcripts: non-coding transcript variant (1).
Genome position (GRCh38, 1-based): chr19:7,647,469, G>C. VCF-style: chr19-7647469-G-C. GRCh37 (hg19) VCF-style: chr19-7712355-G-C.
Other names: c.1645G>C, p.Glu549Gln (NM_001127396.3); c.1687G>C, p.Glu563Gln (NM_001272034.2); short protein forms E563Q, E549Q, E552Q.
Identifiers: ClinVar variation 1503019 (VCV001503019.7), dbSNP rs757368965, ClinGen allele CA403162155.

ClinVar aggregate classification (germline): Uncertain significance. Review status: criteria provided, multiple submitters, no conflicts (2 of 4 stars). 2 submissions from 2 submitters: Uncertain significance (2). Last evaluated 2022-07-18.

Conditions:
Familial hemophagocytic lymphohistiocytosis 5. Also called: STXBP2-Related Familial Hemophagocytic Lymphohistiocytosis (STXBP2-fHLH). Identifiers: Orphanet 540, MedGen C2751293, MONDO:0013135, OMIM 613101.

Submissions (2):

Labcorp Genetics (formerly Invitae), Labcorp
Classification: Uncertain significance for Familial hemophagocytic lymphohistiocytosis 5. Last evaluated: 2022-07-18. Review status: criteria provided, single submitter. Criteria: Invitae Variant Classification Sherloc (09022015). Collection method: clinical testing. Allele origin: germline.
Comment: In summary, the available evidence is currently insufficient to determine the role of this variant in disease. Therefore, it has been classified as a Variant of Uncertain Significance. Algorithms developed to predict the effect of missense changes on protein structure and function are either unavailable or do not agree on the potential impact of this missense change (SIFT: "Deleterious"; PolyPhen-2: "Possibly Damaging"; Align-GVGD: "Class C0"). ClinVar contains an entry for this variant (Variation ID: 1503019). This variant has not been reported in the literature in individuals affected with STXBP2-related conditions. This variant is not present in population databases (gnomAD no frequency). This sequence change replaces glutamic acid, which is acidic and polar, with glutamine, which is neutral and polar, at codon 552 of the STXBP2 protein (p.Glu552Gln).

Blueprint Genetics
Classification: Uncertain significance. Last evaluated: 2019-07-11. Review status: criteria provided, single submitter. Criteria: ACMG Guidelines, 2015. Collection method: clinical testing. Allele origin: germline.